The following is an entry in ClinVar:

NM_004104.5(FASN):c.6658C>T (p.Arg2220Cys)

Gene: FASN (fatty acid synthase; minus strand). Cytogenetic location: 17q25.3.
Variant type: single nucleotide variant.
Coding change: c.6658C>T on transcript NM_004104.5 (MANE Select); coding-DNA position 6658, C replaced by T.
Protein change: p.Arg2220Cys; replaces arginine 2220 with cysteine.
Molecular consequence: missense variant.
Genome position (GRCh38, 1-based): chr17:82,080,860, G>A on the plus strand (C>T on the coding strand, the complement: FASN is on the minus strand). VCF-style: chr17-82080860-G-A. GRCh37 (hg19) VCF-style: chr17-80038736-G-A.
Other names: c.6658C>T (NM_004104.4); short protein forms R2220C.
Identifiers: ClinVar variation 1004408 (VCV001004408.9), dbSNP rs767525247, ClinGen allele CA8851225.

ClinVar aggregate classification (germline): Uncertain significance. Review status: criteria provided, multiple submitters, no conflicts (2 of 4 stars). 2 submissions from 2 submitters: Uncertain significance (2). Last evaluated 2026-02-02.

Conditions:
Epileptic encephalopathy. Identifiers: MedGen C0543888, HP:0200134.

Allele frequency attached by ClinVar (database versions not stated): gnomAD 0.00001; gnomAD exomes 0.00002 and 0.00004; TOPMed 0.00003; ExAC 0.00004.
gnomAD v4.1: 26 of 1,611,250 alleles (0.0016%); highest among the groups gnomAD compares: Admixed American, 0.02%; no homozygotes.

Submissions (2):

Labcorp Genetics (formerly Invitae), Labcorp
Classification: Uncertain significance for Epileptic encephalopathy. Last evaluated: 2026-02-02. Review status: criteria provided, single submitter. Criteria: Invitae Variant Classification Sherloc (09022015). Collection method: clinical testing. Allele origin: germline.
Comment: This sequence change replaces arginine, which is basic and polar, with cysteine, which is neutral and slightly polar, at codon 2220 of the FASN protein (p.Arg2220Cys). This variant is present in population databases (rs767525247, gnomAD 0.02%). This variant has not been reported in the literature in individuals affected with FASN-related conditions. ClinVar contains an entry for this variant (Variation ID: 1004408). An algorithm developed to predict the effect of missense changes on protein structure and function (PolyPhen-2) suggests that this variant is likely to be tolerated. In summary, the available evidence is currently insufficient to determine the role of this variant in disease. Therefore, it has been classified as a Variant of Uncertain Significance.

Ambry Genetics
Classification: Uncertain significance. Last evaluated: 2024-07-26. Review status: criteria provided, single submitter. Criteria: Ambry Variant Classification Scheme 2023. Collection method: clinical testing. Allele origin: germline.